The following is an entry in ClinVar:

NM_001243279.3(ACSF3):c.675del (p.Leu226fs)

Gene: ACSF3 (acyl-CoA synthetase family member 3; plus strand). Cytogenetic location: 16q24.3.
Variant type: Deletion.
Coding change: c.675del on transcript NM_001243279.3 (MANE Select); coding-DNA position 675, one base deleted (G; older notation c.675delG).
Protein change: p.Leu226fs; shifts the reading frame from leucine 226.
Molecular consequence: frameshift variant. On other transcripts: 5 prime UTR variant (1), non-coding transcript variant (3).
Genome position (GRCh38, 1-based): chr16:89,102,612, G deleted; the last of 3 consecutive G bases (chr16:89,102,610-89,102,612); deleting any one gives the same sequence. VCF-style (leftmost placement, unchanged base first): chr16-89102609-CG-C. GRCh37 (hg19) VCF-style: chr16-89169017-CG-C.
Other names: c.675del, p.Leu226fs (NM_001127214.4, NM_174917.5); c.-121del (NM_001284316.2); short protein forms L226fs.
Identifiers: ClinVar variation 653700 (VCV000653700.6), dbSNP rs1597898076, ClinGen allele CA915949393.
Genomic context (GRCh38, chr16:89,102,609, plus strand): 5'-CTGTTGCGGGCCACAGTCTTGCTCTTGCTCTCAGCTGTGCTCTCGTCCCCTGCAGGTGAC[CG>C]GGCTGGTCCACAAGTGGGCATGGACCAAAGACGACGTGATCCTCCACGTGCTCCCGCTGC-3'

ClinVar aggregate classification (germline): Pathogenic (1 of 4 stars; one submission).

Conditions:
Combined malonic and methylmalonic acidemia. Identifiers: Orphanet 289504, MedGen C3280314, MONDO:0013661, OMIM 614265.

Submission:

Labcorp Genetics (formerly Invitae), Labcorp
Classification: Pathogenic for Combined malonic and methylmalonic acidemia. Last evaluated: 2018-10-04. Review status: criteria provided, single submitter. Criteria: Invitae Variant Classification Sherloc (09022015). Collection method: clinical testing. Allele origin: germline.
Comment: This sequence change creates a premature translational stop signal (p.Leu226Trpfs*12) in the ACSF3 gene. It is expected to result in an absent or disrupted protein product. This variant is not present in population databases (ExAC no frequency). This variant has not been reported in the literature in individuals with ACSF3-related disease. Loss-of-function variants in ACSF3 are known to be pathogenic (PMID: 21841779, 26827111). For these reasons, this variant has been classified as Pathogenic.

Literature cited by the submitters: PubMed 21841779; PubMed 26827111.